The following is an entry in ClinVar:

ClinVar aggregate classification (germline): Uncertain significance. Review status: criteria provided, multiple submitters, no conflicts (2 of 4 stars). 2 submissions from 2 submitters: Uncertain significance (2). Last evaluated 2025-12-08.

Conditions:
Cardiovascular phenotype. Identifiers: MedGen CN230736.

Allele frequency attached by ClinVar (database versions not stated): gnomAD exomes below 0.00001; gnomAD 0.00003; TOPMed 0.00004.
gnomAD v4.1: 5 of 1,613,522 alleles (0.00031%); highest among the groups gnomAD compares: African/African-American, 0.0067%; no homozygotes.

Submissions (2):

Ambry Genetics
Classification: Uncertain significance for Cardiovascular phenotype. Last evaluated: 2025-12-08. Review status: criteria provided, single submitter. Criteria: Ambry Variant Classification Scheme 2023. Collection method: clinical testing. Allele origin: germline.
Comment: The p.F471S variant (also known as c.1412T>C), located in coding exon 5 of the ALPK3 gene, results from a T to C substitution at nucleotide position 1412. The phenylalanine at codon 471 is replaced by serine, an amino acid with highly dissimilar properties. This amino acid position is not well conserved in available vertebrate species. In addition, this alteration is predicted to be tolerated by in silico analysis. Since supporting evidence is limited at this time, the clinical significance of this alteration remains unclear.

Labcorp Genetics (formerly Invitae), Labcorp
Classification: Uncertain significance. Last evaluated: 2025-10-28. Review status: criteria provided, single submitter. Criteria: Invitae Variant Classification Sherloc (09022015). Collection method: clinical testing. Allele origin: germline.
Comment: This sequence change replaces phenylalanine, which is neutral and non-polar, with serine, which is neutral and polar, at codon 471 of the ALPK3 protein (p.Phe471Ser). This variant is not present in population databases (gnomAD no frequency). This variant has not been reported in the literature in individuals affected with ALPK3-related conditions. ClinVar contains an entry for this variant (Variation ID: 1348110). Invitae Evidence Modeling of protein sequence and biophysical properties (such as structural, functional, and spatial information, amino acid conservation, physicochemical variation, residue mobility, and thermodynamic stability) indicates that this missense variant is expected to disrupt ALPK3 protein function with a positive predictive value of 80%. In summary, the available evidence is currently insufficient to determine the role of this variant in disease. Therefore, it has been classified as a Variant of Uncertain Significance.

NM_020778.5(ALPK3):c.806T>C (p.Phe269Ser)

Gene: ALPK3 (alpha kinase 3; plus strand). Cytogenetic location: 15q25.3.
Variant type: single nucleotide variant.
Coding change: c.806T>C on transcript NM_020778.5 (MANE Select); coding-DNA position 806, T replaced by C.
Protein change: p.Phe269Ser; replaces phenylalanine 269 with serine.
Molecular consequence: missense variant.
Genome position (GRCh38, 1-based): chr15:84,840,085, T>C. VCF-style: chr15-84840085-T-C. GRCh37 (hg19) VCF-style: chr15-85383316-T-C.
Other names: short protein forms F269S.
Identifiers: ClinVar variation 1348110 (VCV001348110.9), dbSNP rs975857797, ClinGen allele CA273665584.
Genomic context (GRCh38, chr15:84,840,085, plus strand): 5'-CTTGGCAGGAGGGAGAGACTGAGACTGCTCAGCACTCAGGTTTGGGCCTGATCAACAGTT[T>C]TGCTTCTGGAGAAGTGACCACCAACGGGGAGGCTGCCCCCGAGAATGGAGAGGACGGAGA-3'
Protein context (NP_065829.4, residues 259-279): QHSGLGLINS[Phe269Ser]ASGEVTTNGE